The following is an entry in ClinVar:

NM_000719.7(CACNA1C):c.4531C>T (p.Arg1511Cys)

Gene: CACNA1C (calcium voltage-gated channel subunit alpha1 C; plus strand). Cytogenetic location: 12p13.33.
Variant type: single nucleotide variant.
Coding change: c.4531C>T on transcript NM_000719.7 (MANE Select); coding-DNA position 4531, C replaced by T.
Protein change: p.Arg1511Cys; replaces arginine 1511 with cysteine.
Molecular consequence: missense variant.
Genome position (GRCh38, 1-based): chr12:2,666,690, C>T. VCF-style: chr12-2666690-C-T. GRCh37 (hg19) VCF-style: chr12-2775856-C-T.
Other names: c.4531C>T (NM_000719.6); c.4675C>T, p.Arg1559Cys (NM_001129827.2, NM_199460.4); c.4597C>T, p.Arg1533Cys (NM_001129829.2); c.4531C>T, p.Arg1511Cys (NM_001129830.3, NM_001129833.2, NM_001129834.2 and 7 more transcripts); c.4615C>T, p.Arg1539Cys (NM_001129831.2); c.4591C>T, p.Arg1531Cys (NM_001129832.2); c.4582C>T, p.Arg1528Cys (NM_001129836.2); c.4498C>T, p.Arg1500Cys (NM_001129837.2, NM_001129838.2, NM_001129846.2 and 1 more transcripts); and 2 more; short protein forms R1498C, R1500C, R1508C, R1511C, R1528C, R1531C, R1533C, R1539C.
Identifiers: ClinVar variation 998638 (VCV000998638.12), dbSNP rs2096134235, ClinGen allele CA383376418.

ClinVar aggregate classification (germline): Uncertain significance. Review status: criteria provided, multiple submitters, no conflicts (2 of 4 stars). 4 submissions from 4 submitters: Uncertain significance (4). Last evaluated 2026-06-23.

Conditions:
Long QT syndrome (LQTS). Identifiers: MedGen C0023976, MeSH D008133, MONDO:0002442. Disease mechanism: loss of function. Inheritance: Various modes of inheritance.
CACNA1C-related disorder. Also called: CACNA1C-related disorders; CACNA1C-related condition. Identifiers: MedGen CN381092, MONDO:0700321.
Cardiovascular phenotype. Identifiers: MedGen CN230736.

Allele frequency attached by ClinVar (database versions not stated): gnomAD exomes below 0.00001.
gnomAD v4.1: 6 of 1,585,822 alleles (0.00038%); highest among the groups gnomAD compares: East Asian, 0.0023%; no homozygotes.

Submissions (4):

Ambry Genetics
Classification: Uncertain significance for Cardiovascular phenotype. Last evaluated: 2026-06-23. Review status: criteria provided, single submitter. Criteria: Ambry Variant Classification Scheme 2023. Collection method: clinical testing. Allele origin: germline.

PreventionGenetics, part of Exact Sciences
Classification: Uncertain significance for CACNA1C-related condition. Last evaluated: 2026-03-13. Review status: criteria provided, single submitter. Criteria: ACMG Guidelines, 2015. Collection method: clinical testing. Allele origin: germline.
Comment: The CACNA1C c.4531C>T variant is predicted to result in the amino acid substitution p.Arg1511Cys. This variant has been reported as a variant of uncertain significance in a cohort of individuals referred for genetic testing of cardiomyopathy and/or arrhythmia; however, detailed clinical information was not available (Supplement 2, Dellefave-Castillo et al. 2022. PubMed ID: 35947370). This variant has not been reported in a large population database (gnomAD), indicating this variant is rare. At this time, the clinical significance of this variant is uncertain due to the absence of conclusive functional and genetic evidence.

Labcorp Genetics (formerly Invitae), Labcorp
Classification: Uncertain significance for Long QT syndrome. Last evaluated: 2025-10-17. Review status: criteria provided, single submitter. Criteria: Invitae Variant Classification Sherloc (09022015). Collection method: clinical testing. Allele origin: germline.
Comment: This sequence change replaces arginine, which is basic and polar, with cysteine, which is neutral and slightly polar, at codon 1511 of the CACNA1C protein (p.Arg1511Cys). This variant is not present in population databases (gnomAD no frequency). This variant has not been reported in the literature in individuals affected with CACNA1C-related conditions. ClinVar contains an entry for this variant (Variation ID: 998638). Invitae Evidence Modeling of protein sequence and biophysical properties (such as structural, functional, and spatial information, amino acid conservation, physicochemical variation, residue mobility, and thermodynamic stability) has been performed for this missense variant. However, the output from this modeling did not meet the statistical confidence thresholds required to predict the impact of this variant on CACNA1C protein function. In summary, the available evidence is currently insufficient to determine the role of this variant in disease. Therefore, it has been classified as a Variant of Uncertain Significance.

GeneDx
Classification: Uncertain significance. Last evaluated: 2024-11-26. Review status: criteria provided, single submitter. Criteria: GeneDx Variant Classification Process June 2021. Collection method: clinical testing. Allele origin: germline. Affected: yes.
Comment: Not observed at significant frequency in large population cohorts (gnomAD); In silico analysis supports that this missense variant has a deleterious effect on protein structure/function; Has not been previously published as pathogenic or benign to our knowledge